The following is an entry in ClinVar:

ClinVar aggregate classification (germline): Uncertain significance (1 of 4 stars; one submission).

Conditions:
Inborn genetic diseases. Identifiers: MedGen C0950123, MeSH D030342.

Submission:

Ambry Genetics
Classification: Uncertain significance for Inborn genetic diseases. Last evaluated: 2025-01-17. Review status: criteria provided, single submitter. Criteria: Ambry Variant Classification Scheme 2023. Collection method: clinical testing. Allele origin: germline.
Comment: The p.P1057S variant (also known as c.3169C>T), located in coding exon 1 of the SAMD9L gene, results from a C to T substitution at nucleotide position 3169. The proline at codon 1057 is replaced by serine, an amino acid with similar properties. This amino acid position is conserved. In addition, this alteration is predicted to be tolerated by in silico analysis. Based on the available evidence, the clinical significance of this variant remains unclear.

NM_152703.5(SAMD9L):c.3169C>T (p.Pro1057Ser)

Gene: SAMD9L (sterile alpha motif domain containing 9 like; minus strand). Cytogenetic location: 7q21.2.
Variant type: single nucleotide variant.
Coding change: c.3169C>T on transcript NM_152703.5 (MANE Select); coding-DNA position 3169, C replaced by T.
Protein change: p.Pro1057Ser; replaces proline 1057 with serine.
Molecular consequence: missense variant.
Genome position (GRCh38, 1-based): chr7:93,132,803, G>A on the plus strand (C>T on the coding strand, the complement: SAMD9L is on the minus strand). VCF-style: chr7-93132803-G-A. GRCh37 (hg19) VCF-style: chr7-92762116-G-A.
Other names: c.3169C>T, p.Pro1057Ser (NM_001303496.3, NM_001303497.3, NM_001303498.3 and 5 more transcripts); short protein forms P1057S.
Identifiers: ClinVar variation 3792321 (VCV003792321.1).